The following is an entry in ClinVar:

ClinVar aggregate classification (germline): Benign/Likely benign. Review status: criteria provided, multiple submitters, no conflicts (2 of 4 stars). 8 submissions from 8 submitters: Benign (1); Likely benign (4). 3 of the submissions do not count toward it. Last evaluated 2026-09-01.

Conditions:
GGCX-related disorder. Also called: GGCX-related condition; GGCX - Related Disorders.
Vitamin K-dependent clotting factors, combined deficiency of, type 1. Also called: FACTORS II, VII, IX, AND X, COMBINED DEFICIENCY OF; FAMILIAL MULTIPLE COAGULATION FACTOR DEFICIENCY III; FMFD III; GLUTAMIC ACID, DEFICIENT GAMMA-CARBOXYLATION OF; MULTIPLE COAGULATION FACTOR DEFICIENCY III; VITAMIN K-DEPENDENT COAGULATION DEFECT. Identifiers: Orphanet 98434, MedGen C1848534, MONDO:0010187, OMIM 277450.

Allele frequency attached by ClinVar (database versions not stated): 1000 Genomes Project 0.00060; 1000 Genomes Project 30x 0.00078; ExAC 0.00184; gnomAD exomes 0.00188 and 0.00396; gnomAD 0.00251 and 0.00277; TOPMed 0.00308; ESP Exome Variant Server 0.00346.
gnomAD v4.1: 6,267 of 1,614,064 alleles (0.39%); highest among the groups gnomAD compares: Non-Finnish European, 0.48%; 28 homozygotes.

Submissions (8):

CeGaT Center for Human Genetics Tuebingen
Classification: Likely benign. Last evaluated: 2026-09-01. Review status: criteria provided, single submitter. Criteria: CeGaT Center For Human Genetics Tuebingen Variant Classification Criteria Version 2. Collection method: clinical testing. Allele origin: germline. Affected: yes. Observed: 6 variant alleles.
Comment: GGCX: BP4, BP7, BS2

Labcorp Genetics (formerly Invitae), Labcorp
Classification: Benign. Last evaluated: 2026-02-03. Review status: criteria provided, single submitter. Criteria: Invitae Variant Classification Sherloc (09022015). Collection method: clinical testing. Allele origin: germline.

Blueprint Genetics
Classification: Likely benign. Last evaluated: 2024-11-22. Review status: criteria provided, single submitter. Criteria: ACMG Guidelines, 2015. Collection method: clinical testing. Allele origin: germline.

Illumina Laboratory Services, Illumina
Classification: Likely benign for Vitamin K-dependent clotting factors, combined deficiency of, type 1. Last evaluated: 2018-01-13. Review status: criteria provided, single submitter. Criteria: ICSL Variant Classification Criteria 13 December 2019. Collection method: clinical testing. Allele origin: germline.
Comment: This variant was observed in the ICSL laboratory as part of a predisposition screen in an ostensibly healthy population. It had not been previously curated by ICSL or reported in the Human Gene Mutation Database (HGMD: prior to June 1st, 2018), and was therefore a candidate for classification through an automated scoring system. Utilizing variant allele frequency, disease prevalence and penetrance estimates, and inheritance mode, an automated score was calculated to assess if this variant is too frequent to cause the disease. Based on the score and internal cut-off values, a variant classified as likely benign is not then subjected to further curation. The score for this variant resulted in a classification of likely benign for this disease.

Breakthrough Genomics
Classification: Likely benign. Review status: criteria provided, single submitter. Criteria: ACMG Guidelines, 2015. Collection method: not provided. Allele origin: germline. Inheritance: Autosomal recessive inheritance. Affected: yes.

PreventionGenetics, part of Exact Sciences
Classification: Likely benign for GGCX-related condition. Last evaluated: 2019-06-14. Review status: no assertion criteria provided. Collection method: clinical testing. Allele origin: germline. Not counted in ClinVar's aggregate classification.
Comment: This variant is classified as likely benign based on ACMG/AMP sequence variant interpretation guidelines (Richards et al. 2015 PMID: 25741868, with internal and published modifications).

Clinical Genetics DNA and cytogenetics Diagnostics Lab, Erasmus MC, Erasmus Medical Center
Classification: Likely benign. Review status: no assertion criteria provided. Collection method: clinical testing. Allele origin: germline. Affected: yes. Study: VKGL Data-share Consensus. Not counted in ClinVar's aggregate classification.

Joint Genome Diagnostic Labs from Nijmegen and Maastricht, Radboudumc and MUMC+
Classification: Likely benign. Review status: no assertion criteria provided. Collection method: clinical testing. Allele origin: germline. Affected: yes. Study: VKGL Data-share Consensus. Not counted in ClinVar's aggregate classification.

NM_000821.7(GGCX):c.189C>T (p.Ser63=)

Gene: GGCX (gamma-glutamyl carboxylase; minus strand). Cytogenetic location: 2p11.2.
Variant type: single nucleotide variant.
Coding change: c.189C>T on transcript NM_000821.7 (MANE Select); coding-DNA position 189, C replaced by T.
Protein change: p.Ser63=; no amino-acid change (serine 63 retained).
Molecular consequence: synonymous variant. On other transcripts: intron variant (1).
Genome position (GRCh38, 1-based): chr2:85,560,840, G>A on the plus strand (C>T on the coding strand, the complement: GGCX is on the minus strand). VCF-style: chr2-85560840-G-A. GRCh37 (hg19) VCF-style: chr2-85787963-G-A.
Other names: c.189C>T, p.Ser63= (NM_001311312.3); c.43+546C>T (NM_001142269.4).
Identifiers: ClinVar variation 337277 (VCV000337277.40), dbSNP rs41290035, ClinGen allele CA1742204.